The following is an entry in ClinVar:

NM_015272.5(RPGRIP1L):c.556G>C (p.Ala186Pro)

Gene: RPGRIP1L (RPGRIP1 like; minus strand). Cytogenetic location: 16q12.2.
Variant type: single nucleotide variant.
Coding change: c.556G>C on transcript NM_015272.5 (MANE Select); coding-DNA position 556, G replaced by C.
Protein change: p.Ala186Pro; replaces alanine 186 with proline.
Molecular consequence: missense variant.
Genome position (GRCh38, 1-based): chr16:53,687,939, C>G on the plus strand (G>C on the coding strand, the complement: RPGRIP1L is on the minus strand). VCF-style: chr16-53687939-C-G. GRCh37 (hg19) VCF-style: chr16-53721851-C-G.
Other names: c.556G>C, p.Ala186Pro (NM_001127897.4, NM_001308334.3, NM_001330538.2); short protein forms A186P.
Identifiers: ClinVar variation 2146320 (VCV002146320.4), dbSNP rs2544660302, ClinGen allele CA395924534.

ClinVar aggregate classification (germline): Uncertain significance (1 of 4 stars; one submission).

Conditions:
Joubert syndrome. Also called: CEREBELLOPARENCHYMAL DISORDER IV; JOUBERT-BOLTSHAUSER SYNDROME; Familial aplasia of the vermis. Identifiers: Orphanet 475, MedGen C5979921, MONDO:0018772.
Meckel-Gruber syndrome. Also called: DYSENCEPHALIA SPLANCHNOCYSTICA; GRUBER SYNDROME; Dysencephalia splachnocystica. Identifiers: Orphanet 564, MedGen C0265215, MONDO:0018921.

Submission:

Labcorp Genetics (formerly Invitae), Labcorp
Classification: Uncertain significance for Joubert syndrome; Meckel-Gruber syndrome. Last evaluated: 2022-01-27. Review status: criteria provided, single submitter. Criteria: Invitae Variant Classification Sherloc (09022015). Collection method: clinical testing. Allele origin: germline.
Comment: This sequence change replaces alanine, which is neutral and non-polar, with proline, which is neutral and non-polar, at codon 186 of the RPGRIP1L protein (p.Ala186Pro). This variant is not present in population databases (gnomAD no frequency). In summary, the available evidence is currently insufficient to determine the role of this variant in disease. Therefore, it has been classified as a Variant of Uncertain Significance. Algorithms developed to predict the effect of missense changes on protein structure and function (SIFT, PolyPhen-2, Align-GVGD) all suggest that this variant is likely to be tolerated. This variant has not been reported in the literature in individuals affected with RPGRIP1L-related conditions.